The following is an entry in ClinVar:

ClinVar aggregate classification (germline): Uncertain significance. Review status: criteria provided, multiple submitters, no conflicts (2 of 4 stars). 2 submissions from 2 submitters: Uncertain significance (2). Last evaluated 2025-03-19.

Conditions:
Inborn genetic diseases. Identifiers: MedGen C0950123, MeSH D030342.

Submissions (2):

GeneDx
Classification: Uncertain significance. Last evaluated: 2025-03-19. Review status: criteria provided, single submitter. Criteria: GeneDx Variant Classification Process June 2021. Collection method: clinical testing. Allele origin: germline. Affected: yes.
Comment: Not observed at significant frequency in large population cohorts (gnomAD); In silico analysis supports that this missense variant has a deleterious effect on protein structure/function; Has not been previously published as pathogenic or benign to our knowledge

Ambry Genetics
Classification: Uncertain significance for Inborn genetic diseases. Last evaluated: 2024-12-06. Review status: criteria provided, single submitter. Criteria: Ambry Variant Classification Scheme 2023. Collection method: clinical testing. Allele origin: germline.

NM_021120.4(DLG3):c.1512G>T (p.Leu504Phe)

Gene: DLG3 (discs large MAGUK scaffold protein 3; plus strand). Cytogenetic location: Xq13.1.
Variant type: single nucleotide variant.
Coding change: c.1512G>T on transcript NM_021120.4 (MANE Select); coding-DNA position 1512, G replaced by T.
Protein change: p.Leu504Phe; replaces leucine 504 with phenylalanine.
Molecular consequence: missense variant.
Genome position (GRCh38, 1-based): chrX:70,479,256, G>T. VCF-style: chrX-70479256-G-T. GRCh37 (hg19) VCF-style: chrX-69699106-G-T.
Other names: c.1512G>T (NM_021120.2); c.63G>T, p.Leu21Phe (NM_001166278.2); c.501G>T, p.Leu167Phe (NM_020730.3); short protein forms L167F, L21F, L504F.
Identifiers: ClinVar variation 3502334 (VCV003502334.2).